The following is an entry in ClinVar:

ClinVar aggregate classification (germline): Uncertain significance (1 of 4 stars; one submission).

Conditions:
Mitochondrial trifunctional protein deficiency. Identifiers: Orphanet 746, MedGen C1969443, MONDO:0012172.

Submission:

Labcorp Genetics (formerly Invitae), Labcorp
Classification: Uncertain significance for Mitochondrial trifunctional protein deficiency. Last evaluated: 2024-10-10. Review status: criteria provided, single submitter. Criteria: Invitae Variant Classification Sherloc (09022015). Collection method: clinical testing. Allele origin: germline.
Comment: This sequence change replaces cysteine, which is neutral and slightly polar, with glycine, which is neutral and non-polar, at codon 157 of the HADHB protein (p.Cys157Gly). This variant is not present in population databases (gnomAD no frequency). This variant has not been reported in the literature in individuals affected with HADHB-related conditions. Invitae Evidence Modeling of protein sequence and biophysical properties (such as structural, functional, and spatial information, amino acid conservation, physicochemical variation, residue mobility, and thermodynamic stability) indicates that this missense variant is not expected to disrupt HADHB protein function with a negative predictive value of 80%. In summary, the available evidence is currently insufficient to determine the role of this variant in disease. Therefore, it has been classified as a Variant of Uncertain Significance.

NM_000183.3(HADHB):c.469T>G (p.Cys157Gly)

Gene: HADHB (hydroxyacyl-CoA dehydrogenase trifunctional multienzyme complex subunit beta; plus strand). Cytogenetic location: 2p23.3.
Variant type: single nucleotide variant.
Coding change: c.469T>G on transcript NM_000183.3 (MANE Select); coding-DNA position 469, T replaced by G.
Protein change: p.Cys157Gly; replaces cysteine 157 with glycine.
Molecular consequence: missense variant.
Genome position (GRCh38, 1-based): chr2:26,278,640, T>G. VCF-style: chr2-26278640-T-G. GRCh37 (hg19) VCF-style: chr2-26501508-T-G.
Other names: c.424T>G, p.Cys142Gly (NM_001281512.2); c.403T>G, p.Cys135Gly (NM_001281513.2); short protein forms C135G, C142G, C157G.
Identifiers: ClinVar variation 3720499 (VCV003720499.2).